The following is an entry in ClinVar:

ClinVar aggregate classification (germline): Uncertain significance. Review status: criteria provided, multiple submitters, no conflicts (2 of 4 stars). 2 submissions from 2 submitters: Uncertain significance (2). Last evaluated 2025-07-21.

Allele frequency attached by ClinVar (database versions not stated): ExAC 0.00001; gnomAD 0.00001; TOPMed 0.00002; gnomAD exomes 0.00001.

Submissions (2):

Women's Health and Genetics/Laboratory Corporation of America, LabCorp
Classification: Uncertain significance. Last evaluated: 2025-07-21. Review status: criteria provided, single submitter. Criteria: LabCorp Variant Classification Summary - May 2015. Collection method: clinical testing. Allele origin: germline.
Comment: Variant summary: CACNA1D c.685G>A (p.Gly229Ser) results in a non-conservative amino acid change in the encoded protein sequence. Algorithms developed to predict the effect of missense changes on protein structure and function all suggest that this variant is likely to be disruptive. The variant allele was found at a frequency of 8e-06 in 251376 control chromosomes (gnomAD). The available data on variant occurrences in the general population are insufficient to allow any conclusion about variant significance. To our knowledge, no occurrence of c.685G>A in individuals affected with Sinoatrial Node Dysfunction And Deafness and no experimental evidence demonstrating its impact on protein function have been reported. ClinVar contains an entry for this variant (Variation ID: 2902890). Based on the evidence outlined above, the variant was classified as uncertain significance.

Labcorp Genetics (formerly Invitae), Labcorp
Classification: Uncertain significance. Last evaluated: 2025-07-10. Review status: criteria provided, single submitter. Criteria: Invitae Variant Classification Sherloc (09022015). Collection method: clinical testing. Allele origin: germline.
Comment: This sequence change replaces glycine, which is neutral and non-polar, with serine, which is neutral and polar, at codon 229 of the CACNA1D protein (p.Gly229Ser). This variant is present in population databases (rs747770734, gnomAD 0.01%). This variant has not been reported in the literature in individuals affected with CACNA1D-related conditions. ClinVar contains an entry for this variant (Variation ID: 2902890). An algorithm developed to predict the effect of missense changes on protein structure and function (PolyPhen-2) suggests that this variant is likely to be disruptive. In summary, the available evidence is currently insufficient to determine the role of this variant in disease. Therefore, it has been classified as a Variant of Uncertain Significance.

NM_001128840.3(CACNA1D):c.685G>A (p.Gly229Ser)

Gene: CACNA1D (calcium voltage-gated channel subunit alpha1 D; plus strand). Cytogenetic location: 3p21.1.
Variant type: single nucleotide variant.
Coding change: c.685G>A on transcript NM_001128840.3 (MANE Select); coding-DNA position 685, G replaced by A.
Protein change: p.Gly229Ser; replaces glycine 229 with serine.
Molecular consequence: missense variant.
Genome position (GRCh38, 1-based): chr3:53,660,194, G>A. VCF-style: chr3-53660194-G-A. GRCh37 (hg19) VCF-style: chr3-53694221-G-A.
Other names: c.685G>A, p.Gly229Ser (NM_000720.4, NM_001128839.3); short protein forms G229S.
Identifiers: ClinVar variation 2902890 (VCV002902890.4), dbSNP rs747770734, ClinGen allele CA2453734.